The following is an entry in ClinVar:

NM_144772.3(NAXE):c.191A>C (p.Glu64Ala)

Gene: NAXE (NAD(P)HX epimerase; plus strand). Cytogenetic location: 1q22.
Variant type: single nucleotide variant.
Coding change: c.191A>C on transcript NM_144772.3 (MANE Select); coding-DNA position 191, A replaced by C.
Protein change: p.Glu64Ala; replaces glutamic acid 64 with alanine.
Molecular consequence: missense variant.
Genome position (GRCh38, 1-based): chr1:156,592,109, A>C. VCF-style: chr1-156592109-A-C. GRCh37 (hg19) VCF-style: chr1-156561901-A-C.
Other names: c.191A>C (NM_144772.2); short protein forms E64A.
Identifiers: ClinVar variation 1424306 (VCV001424306.5), dbSNP rs150398831, ClinGen allele CA1162683.

ClinVar aggregate classification (germline): Uncertain significance. Review status: criteria provided, multiple submitters, no conflicts (2 of 4 stars). 3 submissions from 3 submitters: Uncertain significance (3). Last evaluated 2025-02-03.

Conditions:
Inborn genetic diseases. Identifiers: MedGen C0950123, MeSH D030342.

Allele frequency attached by ClinVar (database versions not stated): gnomAD exomes 0.00020 and 0.00049; ExAC 0.00022; TOPMed 0.00039; gnomAD 0.00045 and 0.00048; ESP Exome Variant Server 0.00046.

Submissions (3):

Ambry Genetics
Classification: Uncertain significance for Inborn genetic diseases. Last evaluated: 2025-02-03. Review status: criteria provided, single submitter. Criteria: Ambry Variant Classification Scheme 2023. Collection method: clinical testing. Allele origin: germline.

Blueprint Genetics
Classification: Uncertain significance. Last evaluated: 2024-11-04. Review status: criteria provided, single submitter. Criteria: ACMG Guidelines, 2015. Collection method: clinical testing. Allele origin: germline.

Labcorp Genetics (formerly Invitae), Labcorp
Classification: Uncertain significance. Last evaluated: 2022-09-19. Review status: criteria provided, single submitter. Criteria: Invitae Variant Classification Sherloc (09022015). Collection method: clinical testing. Allele origin: germline.
Comment: This sequence change replaces glutamic acid, which is acidic and polar, with alanine, which is neutral and non-polar, at codon 64 of the NAXE protein (p.Glu64Ala). This variant is present in population databases (rs150398831, gnomAD 0.03%). This variant has not been reported in the literature in individuals affected with NAXE-related conditions. ClinVar contains an entry for this variant (Variation ID: 1424306). Advanced modeling of protein sequence and biophysical properties (such as structural, functional, and spatial information, amino acid conservation, physicochemical variation, residue mobility, and thermodynamic stability) performed at Invitae indicates that this missense variant is not expected to disrupt NAXE protein function. In summary, the available evidence is currently insufficient to determine the role of this variant in disease. Therefore, it has been classified as a Variant of Uncertain Significance.